The following is an entry in ClinVar:

NM_002454.3(MTRR):c.507G>C (p.Val169=)

Gene: MTRR (5-methyltetrahydrofolate-homocysteine methyltransferase reductase; plus strand). Cytogenetic location: 5p15.31.
Variant type: single nucleotide variant.
Coding change: c.507G>C on transcript NM_002454.3 (MANE Select); coding-DNA position 507, G replaced by C.
Protein change: p.Val169=; no amino-acid change (valine 169 retained).
Molecular consequence: synonymous variant. On other transcripts: non-coding transcript variant (14).
Genome position (GRCh38, 1-based): chr5:7,878,049, G>C. VCF-style: chr5-7878049-G-C. GRCh37 (hg19) VCF-style: chr5-7878162-G-C.
Other names: c.507G>C, p.Val169= (NM_001364440.2, NM_001364441.2, NM_001364442.2 and 1 more transcripts).
Identifiers: ClinVar variation 750673 (VCV000750673.14), dbSNP rs367609729, ClinGen allele CA3195622.

ClinVar aggregate classification (germline): Likely benign. Review status: criteria provided, single submitter (1 of 4 stars). 3 submissions from 3 submitters: Likely benign (1). 2 of the submissions do not count toward it. Last evaluated 2026-01-19.

Conditions:
Methylcobalamin deficiency type cblE (HMAE). Also called: HOMOCYSTINURIA-MEGALOBLASTIC ANEMIA, cblE TYPE; VITAMIN B12-RESPONSIVE HOMOCYSTINURIA, cblE TYPE; HOMOCYSTINURIA-MEGALOBLASTIC ANEMIA, cblE COMPLEMENTATION TYPE. Identifiers: Orphanet 2169, Orphanet 622, MedGen C1856057, MONDO:0009354, OMIM 236270.
MTRR-related disorder. Also called: MTRR-related condition.

Allele frequency attached by ClinVar (database versions not stated): gnomAD 0.00004 and 0.00005; TOPMed 0.00004; ESP Exome Variant Server 0.00008.
gnomAD v4.1: 250 of 1,613,748 alleles (0.015%); highest among the groups gnomAD compares: Non-Finnish European, 0.02%; no homozygotes.

Submissions (3):

Labcorp Genetics (formerly Invitae), Labcorp
Classification: Likely benign for Methylcobalamin deficiency type cblE. Last evaluated: 2026-01-19. Review status: criteria provided, single submitter. Criteria: Invitae Variant Classification Sherloc (09022015). Collection method: clinical testing. Allele origin: germline.

PreventionGenetics, part of Exact Sciences
Classification: Likely benign for MTRR-related condition. Last evaluated: 2021-05-19. Review status: no assertion criteria provided. Collection method: clinical testing. Allele origin: germline. Not counted in ClinVar's aggregate classification.
Comment: This variant is classified as likely benign based on ACMG/AMP sequence variant interpretation guidelines (Richards et al. 2015 PMID: 25741868, with internal and published modifications).

Natera, Inc.
Classification: Likely benign for CblE complementation type homocystinuria-megaloblastic anemia due to defect in cobalamin metabolism. Last evaluated: 2020-04-17. Review status: no assertion criteria provided. Collection method: clinical testing. Allele origin: germline. Not counted in ClinVar's aggregate classification.